The following is an entry in ClinVar:

NM_001378477.3(NYX):c.1396_1405dup (p.Val469fs)

Gene: NYX (nyctalopin; plus strand). Cytogenetic location: Xp11.4.
Variant type: Duplication.
Coding change: c.1396_1405dup on transcript NM_001378477.3 (MANE Select); coding-DNA positions 1396 to 1405, 10 bases duplicated (GCCCAGCACG; older notation c.1396_1405dupGCCCAGCACG).
Protein change: p.Val469fs; shifts the reading frame from valine 469.
Molecular consequence: frameshift variant.
Genome position (GRCh38, 1-based): chrX:41,474,864-41,474,873, GCCCAGCACG duplicated; duplicating any 10 consecutive bases within chrX:41,474,863-41,474,873 gives the same sequence; the c. name uses the placement nearest the transcript's 3' end. VCF-style (leftmost placement, unchanged base first): chrX-41474862-T-TGGCCCAGCAC. GRCh37 (hg19) VCF-style: chrX-41334115-T-TGGCCCAGCAC.
Other names: c.1396_1405dup, p.Val469fs (NM_022567.3); short protein forms V469fs.
Identifiers: ClinVar variation 2104505 (VCV002104505.6), dbSNP rs2519609349, ClinGen allele CA2580101764.
Genomic context (GRCh38, chrX:41,474,862, plus strand): 5'-GGGTGGGAGGCGCGGGCCGGCAGCCCTGGTTTCTCCTCGCCTCTTGTCTCCTGCCCAGCG[T>TGGCCCAGCAC]GGCCCAGCACGTGGTGTTTGGCCTGCAGATGGACTGACCTGGCCAGAGGGGGGAAAGTTT-3'

ClinVar aggregate classification (germline): Uncertain significance. Review status: criteria provided, multiple submitters, no conflicts (2 of 4 stars). 2 submissions from 2 submitters: Uncertain significance (2). Last evaluated 2024-12-10.

Conditions:
Congenital stationary night blindness 1A (CSNB1A). Also called: HEMERALOPIA-MYOPIA; MYOPIA-NIGHT BLINDNESS; NYX-Related X-Linked Congenital Stationary Night Blindness; CSNB, COMPLETE, X-LINKED; NIGHT BLINDNESS, CONGENITAL STATIONARY, WITH MYOPIA; Night blindness, congenital stationary (complete), 1A, X-linked. Identifiers: Orphanet 215, MedGen C3495587, MONDO:0010690, OMIM 310500.

Submissions (2):

Victorian Clinical Genetics Services, Murdoch Childrens Research Institute
Classification: Uncertain significance for Congenital stationary night blindness 1A. Last evaluated: 2024-12-10. Review status: criteria provided, single submitter. Criteria: ACMG Guidelines, 2015. Collection method: clinical testing. Allele origin: germline. Affected: yes.
Comment: This variant is classified as VUS-3B. Evidence in support of pathogenic classification: Variant is predicted to result in an elongated protein; Variant is absent from gnomAD (v2, v3 and v4). Additional information: This variant is hemizygous; This gene is associated with X-linked recessive disease; Previous evidence of pathogenicity for this variant is inconclusive. This variant has been classified as a VUS by a clinical laboratory in ClinVar; No published segregation evidence has been identified for this variant; No published functional evidence has been identified for this variant; No comparable protein elongation variants have previous evidence for pathogenicity; Loss of function is a likely mechanism of disease in this gene and is associated with night blindness, congenital stationary (complete), 1A, X-linked (MIM#310500).

Labcorp Genetics (formerly Invitae), Labcorp
Classification: Uncertain significance. Last evaluated: 2022-09-07. Review status: criteria provided, single submitter. Criteria: Invitae Variant Classification Sherloc (09022015). Collection method: clinical testing. Allele origin: germline.
Comment: In summary, the available evidence is currently insufficient to determine the role of this variant in disease. Therefore, it has been classified as a Variant of Uncertain Significance. Experimental studies and prediction algorithms are not available or were not evaluated, and the functional significance of this variant is currently unknown. This variant has not been reported in the literature in individuals affected with NYX-related conditions. This variant is not present in population databases (gnomAD no frequency). This sequence change results in a frameshift in the NYX gene (p.Val474Glyfs*22). While this is not anticipated to result in nonsense mediated decay, it is expected to disrupt the last 8 amino acid(s) of the NYX protein and extend the protein by 13 additional amino acid residues.